The following is an entry in ClinVar:

NM_005228.5(EGFR):c.2776A>C (p.Ile926Leu)

Gene: EGFR (epidermal growth factor receptor; plus strand). Cytogenetic location: 7p11.2.
Variant type: single nucleotide variant.
Coding change: c.2776A>C on transcript NM_005228.5 (MANE Select); coding-DNA position 2776, A replaced by C.
Protein change: p.Ile926Leu; replaces isoleucine 926 with leucine.
Molecular consequence: missense variant.
Genome position (GRCh38, 1-based): chr7:55,198,791, A>C. VCF-style: chr7-55198791-A-C. GRCh37 (hg19) VCF-style: chr7-55266484-A-C.
Other names: c.2776A>C (NM_005228.3); c.2641A>C, p.Ile881Leu (NM_001346897.2, NM_001346899.2); c.2776A>C, p.Ile926Leu (NM_001346898.2); c.2617A>C, p.Ile873Leu (NM_001346900.2); c.1975A>C, p.Ile659Leu (NM_001346941.2); short protein forms I873L, I881L, I659L, I926L.
Identifiers: ClinVar variation 1461127 (VCV001461127.8), dbSNP rs759179459, ClinGen allele CA4266175.

ClinVar aggregate classification (germline): Uncertain significance. Review status: criteria provided, multiple submitters, no conflicts (2 of 4 stars). 2 submissions from 2 submitters: Uncertain significance (2). Last evaluated 2025-01-11.

Conditions:
Hereditary cancer-predisposing syndrome. Also called: Tumor predisposition; Hereditary neoplastic syndrome; Hereditary Cancer Syndrome; Neoplastic Syndromes, Hereditary. Identifiers: Orphanet 140162, MedGen C0027672, MeSH D009386, MONDO:0015356.
EGFR-related lung cancer (EGFR). Identifiers: MedGen CN130014.

Allele frequency attached by ClinVar (database versions not stated): gnomAD exomes below 0.00001 and 0.00001; ExAC 0.00001.
gnomAD v4.1: 5 of 1,614,226 alleles (0.00031%); highest among the groups gnomAD compares: East Asian, 0.0089%; no homozygotes.

Submissions (2):

Ambry Genetics
Classification: Uncertain significance for Hereditary cancer-predisposing syndrome. Last evaluated: 2025-01-11. Review status: criteria provided, single submitter. Criteria: Ambry Variant Classification Scheme 2023. Collection method: clinical testing. Allele origin: germline.
Comment: The p.I926L variant (also known as c.2776A>C), located in coding exon 23 of the EGFR gene, results from an A to C substitution at nucleotide position 2776. The isoleucine at codon 926 is replaced by leucine, an amino acid with highly similar properties. This amino acid position is conserved. In addition, this alteration is predicted to be tolerated by in silico analysis. Based on the available evidence, the clinical significance of this variant remains unclear.

Labcorp Genetics (formerly Invitae), Labcorp
Classification: Uncertain significance for EGFR-related lung cancer. Last evaluated: 2024-10-16. Review status: criteria provided, single submitter. Criteria: Invitae Variant Classification Sherloc (09022015). Collection method: clinical testing. Allele origin: germline.
Comment: This sequence change replaces isoleucine, which is neutral and non-polar, with leucine, which is neutral and non-polar, at codon 926 of the EGFR protein (p.Ile926Leu). This variant is present in population databases (rs759179459, gnomAD 0.01%). This variant has not been reported in the literature in individuals affected with EGFR-related conditions. ClinVar contains an entry for this variant (Variation ID: 1461127). Invitae Evidence Modeling of protein sequence and biophysical properties (such as structural, functional, and spatial information, amino acid conservation, physicochemical variation, residue mobility, and thermodynamic stability) indicates that this missense variant is not expected to disrupt EGFR protein function with a negative predictive value of 80%. In summary, the available evidence is currently insufficient to determine the role of this variant in disease. Therefore, it has been classified as a Variant of Uncertain Significance.